The following is an entry in ClinVar:

ClinVar aggregate classification (germline): Uncertain significance (1 of 4 stars; one submission).

Allele frequency attached by ClinVar (database versions not stated): ESP Exome Variant Server 0.00008; gnomAD exomes 0.00001; ExAC 0.00002.
gnomAD v4.1: 9 of 1,614,134 alleles (0.00056%); highest among the groups gnomAD compares: East Asian, 0.0067%; no homozygotes.

Submission:

Labcorp Genetics (formerly Invitae), Labcorp
Classification: Uncertain significance. Last evaluated: 2021-09-17. Review status: criteria provided, single submitter. Criteria: Invitae Variant Classification Sherloc (09022015). Collection method: clinical testing. Allele origin: germline.
Comment: This sequence change replaces proline with serine at codon 1563 of the USH2A protein (p.Pro1563Ser). The proline residue is highly conserved and there is a moderate physicochemical difference between proline and serine. This variant is present in population databases (rs370391920, ExAC 0.003%). This variant has not been reported in the literature in individuals affected with USH2A-related conditions. Algorithms developed to predict the effect of missense changes on protein structure and function (SIFT, PolyPhen-2, Align-GVGD) all suggest that this variant is likely to be disruptive. In summary, the available evidence is currently insufficient to determine the role of this variant in disease. Therefore, it has been classified as a Variant of Uncertain Significance.

NM_206933.4(USH2A):c.4687C>T (p.Pro1563Ser)

Gene: USH2A (usherin; minus strand). Cytogenetic location: 1q41.
Variant type: single nucleotide variant.
Coding change: c.4687C>T on transcript NM_206933.4 (MANE Select); coding-DNA position 4687, C replaced by T.
Protein change: p.Pro1563Ser; replaces proline 1563 with serine.
Molecular consequence: missense variant.
Genome position (GRCh38, 1-based): chr1:216,097,154, G>A on the plus strand (C>T on the coding strand, the complement: USH2A is on the minus strand). VCF-style: chr1-216097154-G-A. GRCh37 (hg19) VCF-style: chr1-216270496-G-A.
Other names: short protein forms P1563S.
Identifiers: ClinVar variation 1437000 (VCV001437000.5), dbSNP rs370391920, ClinGen allele CA1395650.